The following is an entry in ClinVar:

ClinVar aggregate classification (germline): Conflicting classifications of pathogenicity. Review status: criteria provided, conflicting classifications (1 of 4 stars). 3 submissions from 3 submitters: Likely pathogenic (1); Uncertain significance (1). 1 of the submissions does not count toward it. Last evaluated 2025-07-23.

Conditions:
Renal tubulopathies.
Pseudohypoaldosteronism type 2A (PHA2A). Also called: GORDON HYPERKALEMIA-HYPERTENSION SYNDROME; HYPERTENSIVE HYPERKALEMIA, FAMILIAL. Identifiers: Orphanet 757, Orphanet 88938, MedGen C1840389, MONDO:0007772, OMIM 145260.

Allele frequency attached by ClinVar (database versions not stated): TOPMed 0.00001; gnomAD exomes 0.00002 and 0.00004; gnomAD 0.00001; ExAC 0.00005; ESP Exome Variant Server 0.00008.
gnomAD v4.1: 25 of 1,613,960 alleles (0.0015%); highest among the groups gnomAD compares: Admixed American, 0.0017%; no homozygotes.

Submissions (3):

Genetics Laboratory, Great Ormond Street Hospital NHS Foundation Trust, North Thames Genomic Laboratory Hub
Classification: Likely pathogenic for Renal tubulopathies. Last evaluated: 2025-07-23. Review status: criteria provided, single submitter. Criteria: ACGS Best Practice Guidelines for Variant Classification in Rare Disease 2024 v1.2. Collection method: clinical testing. Allele origin: germline. Affected: yes.
Comment: PM2_moderate, PP3_supporting, PM5_supporting, PM3_moderate

Women's Health and Genetics/Laboratory Corporation of America, LabCorp
Classification: Uncertain significance. Last evaluated: 2023-10-13. Review status: criteria provided, single submitter. Criteria: LabCorp Variant Classification Summary - May 2015. Collection method: clinical testing. Allele origin: germline.
Comment: Variant summary: KLHL3 c.1292G>A (p.Arg431Gln) results in a conservative amino acid change in the encoded protein sequence. Four of five in-silico tools predict a damaging effect of the variant on protein function. The variant allele was found at a frequency of 4e-05 in 251424 control chromosomes. c.1292G>A has been reported in the literature in at least one homozygous individual affected with autosomal recessive pseudohypoaldosteronism type 2D (e.g., Boyden_2012). These data indicate that the variant may be associated with disease. To our knowledge, no experimental evidence demonstrating an impact on protein function has been reported. The following publication has been ascertained in the context of this evaluation (PMID: 22266938). No submitters have cited clinical-significance assessments for this variant to ClinVar after 2014. Based on the evidence outlined above, the variant was classified as VUS-possibly pathogenic.

Richard Lifton Laboratory, Yale University School of Medicine
Classification: Pathogenic for Pseudohypoaldosteronism, type 2. Review status: no assertion criteria provided. Collection method: not provided. Allele origin: germline. Not counted in ClinVar's aggregate classification.
Comment: recessive;Kelch propeller domain
ClinVar note: Converted during submission from pathogenic to Pathogenic.

Literature cited by the submitters: PubMed 22266938 (cited by Women's Health and Genetics/Laboratory Corporation of America, LabCorp).

NM_017415.3(KLHL3):c.1292G>A (p.Arg431Gln)

Gene: KLHL3 (kelch like family member 3; minus strand). Cytogenetic location: 5q31.2.
Variant type: single nucleotide variant.
Coding change: c.1292G>A on transcript NM_017415.3 (MANE Select); coding-DNA position 1292, G replaced by A.
Protein change: p.Arg431Gln; replaces arginine 431 with glutamine.
Molecular consequence: missense variant.
Genome position (GRCh38, 1-based): chr5:137,637,323, C>T on the plus strand (G>A on the coding strand, the complement: KLHL3 is on the minus strand). VCF-style: chr5-137637323-C-T. GRCh37 (hg19) VCF-style: chr5-136973012-C-T.
Other names: c.1196G>A, p.Arg399Gln (NM_001257194.1); c.1046G>A, p.Arg349Gln (NM_001257195.2); short protein forms R431Q, R349Q, R399Q.
Identifiers: ClinVar variation 100545 (VCV000100545.5), dbSNP rs199469643, ClinGen allele CA269984.